The following is an entry in ClinVar:

ClinVar aggregate classification (germline): Uncertain significance (1 of 4 stars; one submission).

Submission:

GeneDx
Classification: Uncertain significance. Last evaluated: 2025-05-09. Review status: criteria provided, single submitter. Criteria: GeneDx Variant Classification Process June 2021. Collection method: clinical testing. Allele origin: germline. Affected: yes.
Comment: Not observed at significant frequency in large population cohorts (gnomAD); In silico analysis suggests that this missense variant does not alter protein structure/function; Has not been previously published as pathogenic or benign to our knowledge

NM_015021.3(ZNF292):c.1546C>A (p.Gln516Lys)

Gene: ZNF292 (zinc finger protein 292; plus strand). Cytogenetic location: 6q14.3.
Variant type: single nucleotide variant.
Coding change: c.1546C>A on transcript NM_015021.3 (MANE Select); coding-DNA position 1546, C replaced by A.
Protein change: p.Gln516Lys; replaces glutamine 516 with lysine.
Molecular consequence: missense variant.
Genome position (GRCh38, 1-based): chr6:87,255,175, C>A. VCF-style: chr6-87255175-C-A. GRCh37 (hg19) VCF-style: chr6-87964893-C-A.
Other names: c.1126C>A, p.Gln376Lys (NM_001351444.2); short protein forms Q376K, Q516K.
Identifiers: ClinVar variation 4528019 (VCV004528019.1).